The following is an entry in ClinVar:

NM_002693.3(POLG):c.1076T>C (p.Val359Ala)

Gene: POLG (DNA polymerase gamma, catalytic subunit; minus strand). Cytogenetic location: 15q26.1.
Variant type: single nucleotide variant.
Coding change: c.1076T>C on transcript NM_002693.3 (MANE Select); coding-DNA position 1076, T replaced by C.
Protein change: p.Val359Ala; replaces valine 359 with alanine.
Molecular consequence: missense variant.
Genome position (GRCh38, 1-based): chr15:89,328,779, A>G on the plus strand (T>C on the coding strand, the complement: POLG is on the minus strand). VCF-style: chr15-89328779-A-G. GRCh37 (hg19) VCF-style: chr15-89872010-A-G.
Other names: c.1076T>C, p.Val359Ala (NM_001126131.2); short protein forms V359A.
Identifiers: ClinVar variation 2117294 (VCV002117294.2), dbSNP rs1596359448, ClinGen allele CA393764989.

ClinVar aggregate classification (germline): Uncertain significance (1 of 4 stars; one submission).

Conditions:
Progressive sclerosing poliodystrophy (MTDPS4A). Also called: Mitochondrial DNA Depletion Syndrome 4A; Alpers-Huttenlocher Syndrome (AHS); ALPERS PROGRESSIVE INFANTILE POLIODYSTROPHY; NEURONAL DEGENERATION OF CHILDHOOD WITH LIVER DISEASE, PROGRESSIVE; Mitochondrial DNA depletion syndrome 4A (Alpers type); Alpers Syndrome. Identifiers: Orphanet 726, MedGen C0205710, MONDO:0008758, OMIM 203700.

Submission:

Labcorp Genetics (formerly Invitae), Labcorp
Classification: Uncertain significance for Progressive sclerosing poliodystrophy. Last evaluated: 2022-03-26. Review status: criteria provided, single submitter. Criteria: Invitae Variant Classification Sherloc (09022015). Collection method: clinical testing. Allele origin: germline.
Comment: In summary, the available evidence is currently insufficient to determine the role of this variant in disease. Therefore, it has been classified as a Variant of Uncertain Significance. Algorithms developed to predict the effect of missense changes on protein structure and function (SIFT, PolyPhen-2, Align-GVGD) all suggest that this variant is likely to be disruptive. This variant has not been reported in the literature in individuals affected with POLG-related conditions. This variant is not present in population databases (gnomAD no frequency). This sequence change replaces valine, which is neutral and non-polar, with alanine, which is neutral and non-polar, at codon 359 of the POLG protein (p.Val359Ala).